The following is an entry in ClinVar:

NM_058216.3(RAD51C):c.572-21_572-16del

Gene: RAD51C (RAD51 paralog C; plus strand). Cytogenetic location: 17q22.
Variant type: Deletion.
Coding change: c.572-21_572-16del on transcript NM_058216.3 (MANE Select); 21 bases into the intron before coding-DNA position 572 through 16 bases into the intron before coding-DNA position 572, 6 bases deleted (AAGAGT; older notation c.572-21_572-16delAAGAGT).
Molecular consequence: intron variant.
Genome position (GRCh38, 1-based): chr17:58,703,175-58,703,180, AAGAGT deleted; deleting any 6 consecutive bases within chr17:58,703,174-58,703,180 gives the same sequence; the c. name uses the placement nearest the transcript's 3' end. VCF-style (leftmost placement, unchanged base first): chr17-58703173-TTAAGAG-T. GRCh37 (hg19) VCF-style: chr17-56780534-TTAAGAG-T.
Other names: c.572-21_572-16del (LRG_314t1); c.572-21_572-16delAAGAGT (NM_058216.1, NM_058216.2).
Identifiers: ClinVar variation 492376 (VCV000492376.12), dbSNP rs773035374, ClinGen allele CA8677272.

ClinVar aggregate classification (germline): Likely benign. Review status: criteria provided, multiple submitters, no conflicts (2 of 4 stars). 4 submissions from 4 submitters: Likely benign (4). Last evaluated 2026-01-19.

Conditions:
Breast-ovarian cancer, familial, susceptibility to, 3. Also called: RAD51C-Related Breast/Ovarian Cancer. Identifiers: Orphanet 145, MedGen C3150659, MONDO:0013253, OMIM 613399.
Hereditary cancer-predisposing syndrome. Also called: Tumor predisposition; Neoplastic Syndromes, Hereditary; Hereditary Cancer Syndrome; Hereditary neoplastic syndrome. Identifiers: Orphanet 140162, MedGen C0027672, MeSH D009386, MONDO:0015356.
Fanconi anemia complementation group O. Also called: RAD51C-Related Fanconi Anemia. Identifiers: Orphanet 84, MedGen C3150653, MONDO:0013248, OMIM 613390.

Submissions (4):

Labcorp Genetics (formerly Invitae), Labcorp
Classification: Likely benign for Fanconi anemia complementation group O. Last evaluated: 2026-01-19. Review status: criteria provided, single submitter. Criteria: Invitae Variant Classification Sherloc (09022015). Collection method: clinical testing. Allele origin: germline.

Myriad Genetics, Inc.
Classification: Likely benign for Breast-ovarian cancer, familial, susceptibility to, 3. Last evaluated: 2025-02-18. Review status: criteria provided, single submitter. Criteria: Myriad Autosomal Dominant, Autosomal Recessive and X-Linked Classification Criteria (2023). Collection method: clinical testing. Allele origin: unknown.
Comment: This variant is considered likely benign. This variant is intronic and is not expected to impact mRNA splicing.

GeneDx
Classification: Likely benign. Last evaluated: 2017-11-24. Review status: criteria provided, single submitter. Criteria: GeneDx Variant Classification (06012015). Collection method: clinical testing. Allele origin: germline. Affected: yes.
Comment: This variant is considered likely benign or benign based on one or more of the following criteria: it is a conservative change, it occurs at a poorly conserved position in the protein, it is predicted to be benign by multiple in silico algorithms, and/or has population frequency not consistent with disease.

Color Diagnostics, LLC DBA Color Health
Classification: Likely benign for Hereditary cancer-predisposing syndrome. Last evaluated: 2016-11-28. Review status: criteria provided, single submitter. Criteria: ACMG Guidelines, 2015. Collection method: clinical testing. Allele origin: germline.